The following is an entry in ClinVar:

NM_207421.4(PADI6):c.1719G>A (p.Leu573=)

Gene: PADI6 (peptidyl arginine deiminase 6; plus strand). Cytogenetic location: 1p36.13.
Variant type: single nucleotide variant.
Coding change: c.1719G>A on transcript NM_207421.4 (MANE Select); coding-DNA position 1719, G replaced by A.
Protein change: p.Leu573=; no amino-acid change (leucine 573 retained).
Molecular consequence: synonymous variant.
Genome position (GRCh38, 1-based): chr1:17,398,715, G>A. VCF-style: chr1-17398715-G-A. GRCh37 (hg19) VCF-style: chr1-17725211-G-A.
Identifiers: ClinVar variation 3031012 (VCV003031012.2), dbSNP rs1323237819, ClinGen allele CA416407235.

ClinVar aggregate classification (germline): Likely benign (0 of 4 stars; one submission).

Conditions:
PADI6-related disorder. Also called: PADI6-related condition.

Allele frequency attached by ClinVar (database versions not stated): TOPMed below 0.00001; gnomAD exomes 0.00002.
gnomAD v4.1: 33 of 1,545,906 alleles (0.0021%); highest among the groups gnomAD compares: Non-Finnish European, 0.0028%; no homozygotes.

Submission:

PreventionGenetics, part of Exact Sciences
Classification: Likely benign for PADI6-related condition. Last evaluated: 2020-11-11. Review status: no assertion criteria provided. Collection method: clinical testing. Allele origin: germline.
Comment: This variant is classified as likely benign based on ACMG/AMP sequence variant interpretation guidelines (Richards et al. 2015 PMID: 25741868, with internal and published modifications).